The following is an entry in ClinVar:

NM_016120.4(RLIM):c.728A>G (p.His243Arg)

Gene: RLIM (ring finger protein, LIM domain interacting; minus strand). Cytogenetic location: Xq13.2.
Variant type: single nucleotide variant.
Coding change: c.728A>G on transcript NM_016120.4 (MANE Select); coding-DNA position 728, A replaced by G.
Protein change: p.His243Arg; replaces histidine 243 with arginine.
Molecular consequence: missense variant.
Genome position (GRCh38, 1-based): chrX:74,592,587, T>C on the plus strand (A>G on the coding strand, the complement: RLIM is on the minus strand). VCF-style: chrX-74592587-T-C. GRCh37 (hg19) VCF-style: chrX-73812422-T-C.
Other names: c.728A>G, p.His243Arg (NM_183353.3); short protein forms H243R.
Identifiers: ClinVar variation 3371569 (VCV003371569.1).

ClinVar aggregate classification (germline): Uncertain significance (1 of 4 stars; one submission).

Submission:

GeneDx
Classification: Uncertain significance. Last evaluated: 2024-03-25. Review status: criteria provided, single submitter. Criteria: GeneDx Variant Classification Process June 2021. Collection method: clinical testing. Allele origin: germline. Affected: yes.
Comment: Not observed at significant frequency in large population cohorts (gnomAD); In silico analysis supports that this missense variant does not alter protein structure/function; Has not been previously published as pathogenic or benign to our knowledge